The following is an entry in ClinVar:

NM_001148.6(ANK2):c.5249C>T (p.Thr1750Ile)

Genes: ANK2 (ankyrin 2; plus strand), LOC126807136 (MED14-independent group 3 enhancer GRCh37_chr4:114274931-114276130; plus strand). Cytogenetic location: 4q26.
Variant type: single nucleotide variant.
Coding change: c.5249C>T on transcript NM_001148.6 (MANE Select); coding-DNA position 5249, C replaced by T.
Protein change: p.Thr1750Ile; replaces threonine 1750 with isoleucine.
Molecular consequence: missense variant. On other transcripts: intron variant (68).
Genome position (GRCh38, 1-based): chr4:113,353,867, C>T. VCF-style: chr4-113353867-C-T. GRCh37 (hg19) VCF-style: chr4-114275023-C-T.
Other names: c.5015C>T, p.Thr1672Ile (NM_001386142.1); c.1649C>T, p.Thr550Ile (NM_001386166.1); c.5390C>T, p.Thr1797Ile (NM_001386174.1); c.5366C>T, p.Thr1789Ile (NM_001386175.1); c.4411+3618C>T (NM_001386186.2, NM_001386148.2); c.4213+3618C>T (NM_001354269.3); c.4291+3618C>T (NM_001386187.2); c.4252+3618C>T (NM_001386147.1); and 35 more; short protein forms T1672I, T1789I, T1797I, T1750I, T550I.
Identifiers: ClinVar variation 1416396 (VCV001416396.9), dbSNP rs1468122749, ClinGen allele CA357918445.

ClinVar aggregate classification (germline): Uncertain significance. Review status: criteria provided, multiple submitters, no conflicts (2 of 4 stars). 2 submissions from 2 submitters: Uncertain significance (2). Last evaluated 2021-10-11.

Conditions:
Long QT syndrome (LQTS). Identifiers: MedGen C0023976, MeSH D008133, MONDO:0002442. Disease mechanism: loss of function. Inheritance: Various modes of inheritance.
Cardiac arrhythmia, ankyrin-B-related. Also called: ANKYRIN-B SYNDROME. Identifiers: Orphanet 101016, Orphanet 768, MedGen C1970119, MONDO:0010958, OMIM 600919.

Allele frequency attached by ClinVar (database versions not stated): gnomAD exomes below 0.00001; gnomAD 0.00002; TOPMed 0.00002.
gnomAD v4.1: 9 of 1,613,876 alleles (0.00056%); highest among the groups gnomAD compares: Non-Finnish European, 0.00076%; no homozygotes.

Submissions (2):

Fulgent Genetics
Classification: Uncertain significance for Cardiac arrhythmia, ankyrin-B-related. Last evaluated: 2021-10-11. Review status: criteria provided, single submitter. Criteria: ACMG Guidelines, 2015. Collection method: clinical testing. Allele origin: unknown.

Labcorp Genetics (formerly Invitae), Labcorp
Classification: Uncertain significance for Long QT syndrome. Last evaluated: 2020-11-14. Review status: criteria provided, single submitter. Criteria: Invitae Variant Classification Sherloc (09022015). Collection method: clinical testing. Allele origin: germline.
Comment: This variant is not present in population databases (ExAC no frequency). This variant has not been reported in the literature in individuals with ANK2-related conditions. Algorithms developed to predict the effect of missense changes on protein structure and function (SIFT, PolyPhen-2, Align-GVGD) all suggest that this variant is likely to be tolerated, but these predictions have not been confirmed by published functional studies and their clinical significance is uncertain. In summary, the available evidence is currently insufficient to determine the role of this variant in disease. Therefore, it has been classified as a Variant of Uncertain Significance. This sequence change replaces threonine with isoleucine at codon 1750 of the ANK2 protein (p.Thr1750Ile). The threonine residue is weakly conserved and there is a moderate physicochemical difference between threonine and isoleucine.